The following is an entry in ClinVar:

NM_001130144.3(LTBP3):c.802C>T (p.Pro268Ser)

Gene: LTBP3 (latent transforming growth factor beta binding protein 3; minus strand). Cytogenetic location: 11q13.1.
Variant type: single nucleotide variant.
Coding change: c.802C>T on transcript NM_001130144.3 (MANE Select); coding-DNA position 802, C replaced by T.
Protein change: p.Pro268Ser; replaces proline 268 with serine.
Molecular consequence: missense variant.
Genome position (GRCh38, 1-based): chr11:65,553,763, G>A on the plus strand (C>T on the coding strand, the complement: LTBP3 is on the minus strand). VCF-style: chr11-65553763-G-A. GRCh37 (hg19) VCF-style: chr11-65321234-G-A.
Other names: c.451C>T, p.Pro151Ser (NM_001164266.1); c.802C>T, p.Pro268Ser (NM_021070.4); short protein forms P268S, P151S.
Identifiers: ClinVar variation 1378182 (VCV001378182.6), dbSNP rs1325394664, ClinGen allele CA381275711.
Genomic context (GRCh38, chr11:65,553,763, plus strand): 5'-GCTGCTTGGGCAGAGTGTCCTGAAAGCAGCGGCCCAGGGGCTTCTGGGTGGGCGGCCGGG[G>A]GTGCGAGGGCTTGGGGTGCGGCAGCAGGTGCTGGGAGGGGGCTGCGCTCTCGGCGTTCGA-3'
Protein context (NP_001123616.1, residues 258-278): HLLPHPKPSH[Pro268Ser]RPPTQKPLGR

ClinVar aggregate classification (germline): Uncertain significance (1 of 4 stars; one submission).

Conditions:
Brachyolmia-amelogenesis imperfecta syndrome. Also called: PLATYSPONDYLY WITH AMELOGENESIS IMPERFECTA; Tooth agenesis, selective, 6; Dental anomalies and short stature. Identifiers: Orphanet 2899, MedGen C1832594, MONDO:0011018, OMIM 601216. Disease mechanism: loss of function.

gnomAD v4.1: 1 of 1,573,716 alleles (0.000064%); highest among the groups gnomAD compares: Non-Finnish European, 0.000086%; no homozygotes.

Submission:

Labcorp Genetics (formerly Invitae), Labcorp
Classification: Uncertain significance for Brachyolmia-amelogenesis imperfecta syndrome. Last evaluated: 2022-08-06. Review status: criteria provided, single submitter. Criteria: Invitae Variant Classification Sherloc (09022015). Collection method: clinical testing. Allele origin: germline.
Comment: In summary, the available evidence is currently insufficient to determine the role of this variant in disease. Therefore, it has been classified as a Variant of Uncertain Significance. Algorithms developed to predict the effect of missense changes on protein structure and function (SIFT, PolyPhen-2, Align-GVGD) all suggest that this variant is likely to be tolerated. ClinVar contains an entry for this variant (Variation ID: 1378182). This variant has not been reported in the literature in individuals affected with LTBP3-related conditions. This variant is not present in population databases (gnomAD no frequency). This sequence change replaces proline, which is neutral and non-polar, with serine, which is neutral and polar, at codon 268 of the LTBP3 protein (p.Pro268Ser).